The following is an entry in ClinVar:

ClinVar aggregate classification (germline): Benign. Review status: criteria provided, multiple submitters, no conflicts (2 of 4 stars). 2 submissions from 2 submitters: Benign (2). Last evaluated 2018-06-14.

Allele frequency attached by ClinVar (database versions not stated): gnomAD 0.89482 and 0.89905; TOPMed 0.89728; 1000 Genomes Project 30x 0.91412; 1000 Genomes Project 0.91773; gnomAD exomes 0.93423.
gnomAD v4.1: 560,205 of 605,662 alleles (92%); highest among the groups gnomAD compares: East Asian, 100%; 259,784 homozygotes.

Submissions (2):

GeneDx
Classification: Benign. Last evaluated: 2018-06-14. Review status: criteria provided, single submitter. Criteria: GeneDx Variant Classification (06012015). Collection method: clinical testing. Allele origin: germline. Affected: yes.
Comment: This variant is considered likely benign or benign based on one or more of the following criteria: it is a conservative change, it occurs at a poorly conserved position in the protein, it is predicted to be benign by multiple in silico algorithms, and/or has population frequency not consistent with disease.

Breakthrough Genomics
Classification: Benign. Review status: criteria provided, single submitter. Criteria: ACMG Guidelines, 2015. Collection method: not provided. Allele origin: germline. Inheritance: Autosomal recessive inheritance. Affected: yes.

NM_020166.5(MCCC1):c.1978-186G>A

Gene: MCCC1 (methylcrotonyl-CoA carboxylase subunit 1; minus strand). Cytogenetic location: 3q27.1.
Variant type: single nucleotide variant.
Coding change: c.1978-186G>A on transcript NM_020166.5 (MANE Select); 186 bases into the intron before coding-DNA position 1978, G replaced by A.
Molecular consequence: intron variant.
Genome position (GRCh38, 1-based): chr3:183,017,523, C>T on the plus strand (G>A on the coding strand, the complement: MCCC1 is on the minus strand). VCF-style: chr3-183017523-C-T. GRCh37 (hg19) VCF-style: chr3-182735311-C-T.
Other names: c.1651-186G>A (NM_001363880.1); c.1627-186G>A (NM_001293273.2).
Identifiers: ClinVar variation 684209 (VCV000684209.2), dbSNP rs10804888, ClinGen allele CA15246961.